The following is an entry in ClinVar:

ClinVar aggregate classification (germline): Benign (1 of 4 stars; one submission).

Allele frequency attached by ClinVar (database versions not stated): 1000 Genomes Project 30x 0.77889; 1000 Genomes Project 0.77975; gnomAD 0.78766 and 0.78789; TOPMed 0.79072.
gnomAD v4.1: 119,271 of 151,434 alleles (79%); highest among the groups gnomAD compares: East Asian, 90%; 47,109 homozygotes.

Submission:

GeneDx
Classification: Benign. Last evaluated: 2018-06-15. Review status: criteria provided, single submitter. Criteria: GeneDx Variant Classification (06012015). Collection method: clinical testing. Allele origin: germline. Affected: yes.
Comment: This variant is considered likely benign or benign based on one or more of the following criteria: it is a conservative change, it occurs at a poorly conserved position in the protein, it is predicted to be benign by multiple in silico algorithms, and/or has population frequency not consistent with disease.

NM_001035.3(RYR2):c.2823-248C>T

Gene: RYR2 (ryanodine receptor 2; plus strand). Cytogenetic location: 1q43.
Variant type: single nucleotide variant.
Coding change: c.2823-248C>T on transcript NM_001035.3 (MANE Select); 248 bases into the intron before coding-DNA position 2823, C replaced by T.
Molecular consequence: intron variant.
Genome position (GRCh38, 1-based): chr1:237,530,179, C>T. VCF-style: chr1-237530179-C-T. GRCh37 (hg19) VCF-style: chr1-237693479-C-T.
Identifiers: ClinVar variation 673303 (VCV000673303.1), dbSNP rs2779364, ClinGen allele CA10861581.